The following is an entry in ClinVar:

ClinVar aggregate classification (germline): Uncertain significance (1 of 4 stars; one submission).

Allele frequency attached by ClinVar (database versions not stated): ExAC 0.00002.
gnomAD v4.1: 4 of 1,610,648 alleles (0.00025%); highest among the groups gnomAD compares: Admixed American, 0.005%; no homozygotes.

Submission:

Labcorp Genetics (formerly Invitae), Labcorp
Classification: Uncertain significance. Last evaluated: 2022-08-19. Review status: criteria provided, single submitter. Criteria: Invitae Variant Classification Sherloc (09022015). Collection method: clinical testing. Allele origin: germline.
Comment: Algorithms developed to predict the effect of missense changes on protein structure and function are either unavailable or do not agree on the potential impact of this missense change (SIFT: "Tolerated"; PolyPhen-2: "Possibly Damaging"; Align-GVGD: "Class C0"). In summary, the available evidence is currently insufficient to determine the role of this variant in disease. Therefore, it has been classified as a Variant of Uncertain Significance. This variant has not been reported in the literature in individuals affected with SLC26A3-related conditions. This variant is present in population databases (rs754158974, gnomAD 0.009%). This sequence change replaces isoleucine, which is neutral and non-polar, with phenylalanine, which is neutral and non-polar, at codon 675 of the SLC26A3 protein (p.Ile675Phe).

NM_000111.3(SLC26A3):c.2023A>T (p.Ile675Phe)

Gene: SLC26A3 (solute carrier family 26 member 3; minus strand). Cytogenetic location: 7q22.3.
Variant type: single nucleotide variant.
Coding change: c.2023A>T on transcript NM_000111.3 (MANE Select); coding-DNA position 2023, A replaced by T.
Protein change: p.Ile675Phe; replaces isoleucine 675 with phenylalanine.
Molecular consequence: missense variant.
Genome position (GRCh38, 1-based): chr7:107,772,093, T>A on the plus strand (A>T on the coding strand, the complement: SLC26A3 is on the minus strand). VCF-style: chr7-107772093-T-A. GRCh37 (hg19) VCF-style: chr7-107412538-T-A.
Other names: short protein forms I675F.
Identifiers: ClinVar variation 1926621 (VCV001926621.3), dbSNP rs754158974, ClinGen allele CA4433624.